The following is an entry in ClinVar:

NM_000138.5(FBN1):c.8362A>T (p.Thr2788Ser)

Gene: FBN1 (fibrillin 1; minus strand). Cytogenetic location: 15q21.1.
Variant type: single nucleotide variant.
Coding change: c.8362A>T on transcript NM_000138.5 (MANE Select); coding-DNA position 8362, A replaced by T.
Protein change: p.Thr2788Ser; replaces threonine 2788 with serine.
Molecular consequence: missense variant.
Genome position (GRCh38, 1-based): chr15:48,411,244, T>A on the plus strand (A>T on the coding strand, the complement: FBN1 is on the minus strand). VCF-style: chr15-48411244-T-A. GRCh37 (hg19) VCF-style: chr15-48703441-T-A.
Other names: c.8362A>T, p.Thr2788Ser (NM_001406716.1); short protein forms T2788S.
Identifiers: ClinVar variation 4874945 (VCV004874945.2).
Genomic context (GRCh38, chr15:48,411,244, plus strand): 5'-GGTTGATTTTAAAGAAGCCATCTTCATTTCCAGATTCGATCAAGTATCTGTTGTGATTCG[T>A]CAGAGTTGTAAGAGCTGGAAGGAGTTCTAGGATTCGAACCTTGTTACTGACGTGGGAAAT-3'
Protein context (NP_000129.3, residues 2778-2798): LELLPALTTL[Thr2788Ser]NHNRYLIESG

ClinVar aggregate classification (germline): Uncertain significance (1 of 4 stars; one submission).

Submission:

CeGaT Center for Human Genetics Tuebingen
Classification: Uncertain significance. Last evaluated: 2026-05-01. Review status: criteria provided, single submitter. Criteria: CeGaT Center For Human Genetics Tuebingen Variant Classification Criteria Version 2. Collection method: clinical testing. Allele origin: germline. Affected: yes. Observed: 1 variant allele.
Comment: FBN1: PM2, BP4